The following is an entry in ClinVar:

NM_182914.3(SYNE2):c.16718G>A (p.Arg5573Gln)

Gene: SYNE2 (spectrin repeat containing nuclear envelope protein 2; plus strand). Cytogenetic location: 14q23.2.
Variant type: single nucleotide variant.
Coding change: c.16718G>A on transcript NM_182914.3 (MANE Select); coding-DNA position 16718, G replaced by A.
Protein change: p.Arg5573Gln; replaces arginine 5573 with glutamine.
Molecular consequence: missense variant.
Genome position (GRCh38, 1-based): chr14:64,167,345, G>A. VCF-style: chr14-64167345-G-A. GRCh37 (hg19) VCF-style: chr14-64634063-G-A.
Other names: c.16718G>A, p.Arg5573Gln (NM_015180.6); short protein forms R5573Q.
Identifiers: ClinVar variation 199220 (VCV000199220.45), dbSNP rs149227847, ClinGen allele CA248303.

ClinVar aggregate classification (germline): Conflicting classifications of pathogenicity. Review status: criteria provided, conflicting classifications (1 of 4 stars). 7 submissions from 7 submitters: Uncertain significance (1); Benign (2); Likely benign (3). 1 of the submissions does not count toward it. Last evaluated 2025-12-20.

Conditions:
SYNE2-related disorder. Also called: SYNE2-related condition.
Emery-Dreifuss muscular dystrophy 5, autosomal dominant (EDMD5). Also called: EMERY-DREIFUSS MUSCULAR DYSTROPHY 5. Identifiers: Orphanet 261, MedGen C2751805, MONDO:0013072, OMIM 612999.

Allele frequency attached by ClinVar (database versions not stated): 1000 Genomes Project 30x 0.00031; 1000 Genomes Project 0.00040; ExAC 0.00077; gnomAD 0.00088 and 0.00091; ESP Exome Variant Server 0.00092; TOPMed 0.00111.
gnomAD v4.1: 1,587 of 1,614,170 alleles (0.098%); highest among the groups gnomAD compares: Admixed American, 0.22%; 1 homozygote.

Submissions (7):

Labcorp Genetics (formerly Invitae), Labcorp
Classification: Likely benign for Emery-Dreifuss muscular dystrophy 5, autosomal dominant. Last evaluated: 2025-12-20. Review status: criteria provided, single submitter. Criteria: Invitae Variant Classification Sherloc (09022015). Collection method: clinical testing. Allele origin: germline.

Athena Diagnostics
Classification: Likely benign. Last evaluated: 2025-07-17. Review status: criteria provided, single submitter. Criteria: Athena Diagnostics Criteria. Collection method: clinical testing. Allele origin: unknown.
Comment: The frequency of this variant in the general population is higher than would generally be expected for pathogenic variants in this gene.

CeGaT Center for Human Genetics Tuebingen
Classification: Benign. Last evaluated: 2023-06-01. Review status: criteria provided, single submitter. Criteria: CeGaT Center For Human Genetics Tuebingen Variant Classification Criteria Version 2. Collection method: clinical testing. Allele origin: germline. Affected: yes. Observed: 1 variant allele.
Comment: SYNE2: BP4, BS1, BS2

Women's Health and Genetics/Laboratory Corporation of America, LabCorp
Classification: Likely benign. Last evaluated: 2022-11-29. Review status: criteria provided, single submitter. Criteria: LabCorp Variant Classification Summary - May 2015. Collection method: clinical testing. Allele origin: germline.
Comment: Variant summary: SYNE2 c.16718G>A (p.Arg5573Gln) results in a conservative amino acid change in the encoded protein sequence. Three of five in-silico tools predict a damaging effect of the variant on protein function. The variant allele was found at a frequency of 0.00082 in 251384 control chromosomes, predominantly at a frequency of 0.0019 within the Latino subpopulation in the gnomAD database, suggesting that it is a benign polymorphism found primarily in individuals of Latino ancestry. To our knowledge, no occurrence of c.16718G>A in individuals affected with Autosomal Dominant Emery-Dreifuss Muscular Dystrophy 5 and no experimental evidence demonstrating its impact on protein function have been reported. Three clinical diagnostic laboratories have submitted clinical-significance assessments for this variant to ClinVar after 2014 without evidence for independent evaluation. One laboratory classified the variant as benign, one as likely benign, and one classified it as VUS. Based on the evidence outlined above, the variant was classified as likely benign.

Illumina Laboratory Services, Illumina
Classification: Benign for Emery-Dreifuss muscular dystrophy 5, autosomal dominant. Last evaluated: 2018-01-13. Review status: criteria provided, single submitter. Criteria: ICSL Variant Classification Criteria 13 December 2019. Collection method: clinical testing. Allele origin: germline.
Comment: This variant was observed in the ICSL laboratory as part of a predisposition screen in an ostensibly healthy population. It had not been previously curated by ICSL or reported in the Human Gene Mutation Database (HGMD: prior to June 1st, 2018), and was therefore a candidate for classification through an automated scoring system. Utilizing variant allele frequency, disease prevalence and penetrance estimates, and inheritance mode, an automated score was calculated to assess if this variant is too frequent to cause the disease. Based on the score and internal cut-off values, a variant classified as benign is not then subjected to further curation. The score for this variant resulted in a classification of benign for this disease.

Eurofins Ntd Llc (ga)
Classification: Uncertain significance. Last evaluated: 2015-05-27. Review status: criteria provided, single submitter. Criteria: EGL Classification Definitions 2015. Collection method: clinical testing. Allele origin: germline. Observed: 6 variant alleles, 6 heterozygotes.

PreventionGenetics, part of Exact Sciences
Classification: Likely benign for SYNE2-related condition. Last evaluated: 2022-12-01. Review status: no assertion criteria provided. Collection method: clinical testing. Allele origin: germline. Not counted in ClinVar's aggregate classification.
Comment: This variant is classified as likely benign based on ACMG/AMP sequence variant interpretation guidelines (Richards et al. 2015 PMID: 25741868, with internal and published modifications).

Literature cited by the submitters: PubMed 30190612 (cited by Athena Diagnostics).